The following is an entry in ClinVar:

NM_001378454.1(ALMS1):c.8044G>T (p.Glu2682Ter)

Gene: ALMS1 (ALMS1 centrosome and basal body associated protein; plus strand). Cytogenetic location: 2p13.1.
Variant type: single nucleotide variant.
Coding change: c.8044G>T on transcript NM_001378454.1 (MANE Select); coding-DNA position 8044, G replaced by T.
Protein change: p.Glu2682Ter; replaces glutamic acid 2682 with a stop codon.
Molecular consequence: nonsense.
Genome position (GRCh38, 1-based): chr2:73,490,003, G>T. VCF-style: chr2-73490003-G-T. GRCh37 (hg19) VCF-style: chr2-73717130-G-T.
Other names: c.8047G>T, p.Glu2683Ter (NM_015120.4); short protein forms E2683*, E2682*.
Identifiers: ClinVar variation 1456573 (VCV001456573.6), dbSNP rs779187578, ClinGen allele CA1714395.
Genomic context (GRCh38, chr2:73,490,003, plus strand): 5'-TTCAAAATCAGCAAAGGTCTTCGAATGCCATTCGATGAAAAGATGGACCCTTGGCTGTCA[G>T]AATTAGTAGAACCTGCTTTTGTGCCACCTAAAGAAGTGGATTTTCATTCTTCATCACAAA-3'

ClinVar aggregate classification (germline): Pathogenic (1 of 4 stars; one submission).

Conditions:
Alstrom syndrome (ALMS). Identifiers: Orphanet 64, MedGen C0268425, MONDO:0008763, OMIM 203800.

Allele frequency attached by ClinVar (database versions not stated): ExAC 0.00002; gnomAD exomes 0.00002.
gnomAD v4.1: 4 of 1,614,238 alleles (0.00025%); highest among the groups gnomAD compares: East Asian, 0.0089%; no homozygotes.

Submission:

Labcorp Genetics (formerly Invitae), Labcorp
Classification: Pathogenic for Alstrom syndrome. Last evaluated: 2023-03-18. Review status: criteria provided, single submitter. Criteria: Invitae Variant Classification Sherloc (09022015). Collection method: clinical testing. Allele origin: germline.
Comment: This premature translational stop signal has been observed in individual(s) with Alström syndrome (PMID: 31755649). For these reasons, this variant has been classified as Pathogenic. ClinVar contains an entry for this variant (Variation ID: 1456573). This variant is also known as c.8041G>T (p.Glu2681Ter). This variant is present in population databases (rs779187578, gnomAD 0.02%). This sequence change creates a premature translational stop signal (p.Glu2683*) in the ALMS1 gene. It is expected to result in an absent or disrupted protein product. Loss-of-function variants in ALMS1 are known to be pathogenic (PMID: 17594715).

Literature cited by the submitters: PubMed 31755649; PubMed 17594715.